The following is an entry in ClinVar:

ClinVar aggregate classification (germline): Likely pathogenic (1 of 4 stars; one submission).

Submission:

GeneDx
Classification: Likely pathogenic. Last evaluated: 2017-03-23. Review status: criteria provided, single submitter. Criteria: GeneDx Variant Classification (06012015). Collection method: clinical testing. Allele origin: germline. Affected: yes.
Comment: The c.3260_3267dupCTACAATG variant in the SPG11 gene has not been reported previously as a pathogenic variant nor as a benign variant, to our knowledge. The c.3260_3267dupCTACAATG variant causes a frameshift starting with codon Tyrosine 1090, changes this amino acid to a Leucine residue, and creates a premature Stop codon at position 22 of the new reading frame, denoted p.Tyr1090LeufsX22. This variant is predicted to cause loss of normal protein function either through protein truncation or nonsense-mediated mRNA decay. The c.3260_3267dupCTACAATG variant is not observed in large population cohorts (Lek et al., 2016; 1000 Genomes Consortium et al., 2015; Exome Variant Server). The c.3260_3267dupCTACAATG variant is a strong candidate for a pathogenic variant, however the possibility it may be a rare benign variant cannot be excluded.

NM_025137.4(SPG11):c.3260_3267dup (p.Tyr1090fs)

Gene: SPG11 (SPG11 vesicle trafficking associated, spatacsin; minus strand). Cytogenetic location: 15q21.1.
Variant type: Duplication.
Coding change: c.3260_3267dup on transcript NM_025137.4 (MANE Select); coding-DNA positions 3260 to 3267, 8 bases duplicated (CTACAATG; older notation c.3260_3267dupCTACAATG).
Protein change: p.Tyr1090fs; shifts the reading frame from tyrosine 1090.
Molecular consequence: frameshift variant.
Genome position (GRCh38, 1-based): chr15:44,610,864-44,610,871, CATTGTAG duplicated on the plus strand (CTACAATG on the coding strand, the reverse complement: SPG11 is on the minus strand). VCF-style (leftmost placement, unchanged base first): chr15-44610863-A-ACATTGTAG. GRCh37 (hg19) VCF-style: chr15-44903061-A-ACATTGTAG.
Other names: c.3260_3267dup, p.Tyr1090fs (NM_001160227.2); short protein forms Y1090fs.
Identifiers: ClinVar variation 424564 (VCV000424564.2), dbSNP rs1555453727, ClinGen allele CA16619932.